The following is an entry in ClinVar:

NM_003661.4(APOL1):c.534G>T (p.Val178=)

Gene: APOL1 (apolipoprotein L1; plus strand). Cytogenetic location: 22q12.3.
Variant type: single nucleotide variant.
Coding change: c.534G>T on transcript NM_003661.4 (MANE Select); coding-DNA position 534, G replaced by T.
Protein change: p.Val178=; no amino-acid change (valine 178 retained).
Molecular consequence: synonymous variant.
Genome position (GRCh38, 1-based): chr22:36,265,370, G>T. VCF-style: chr22-36265370-G-T. GRCh37 (hg19) VCF-style: chr22-36661416-G-T.
Other names: c.534G>T (NM_003661.3); c.534G>T, p.Val178= (NM_001136540.2); c.480G>T, p.Val160= (NM_001136541.2, NM_001362927.2); c.582G>T, p.Val194= (NM_145343.3).
Identifiers: ClinVar variation 2744195 (VCV002744195.5), dbSNP rs368340430, ClinGen allele CA10208700.

ClinVar aggregate classification (germline): Likely benign. Review status: criteria provided, single submitter (1 of 4 stars). 2 submissions from 2 submitters: Likely benign (1). 1 of the submissions does not count toward it. Last evaluated 2023-06-17.

Conditions:
APOL1-related disorder. Also called: APOL1-related condition.

gnomAD v4.1: 4 of 1,612,530 alleles (0.00025%); highest among the groups gnomAD compares: Admixed American, 0.005%; no homozygotes.

Submissions (2):

Labcorp Genetics (formerly Invitae), Labcorp
Classification: Likely benign. Last evaluated: 2023-06-17. Review status: criteria provided, single submitter. Criteria: Invitae Variant Classification Sherloc (09022015). Collection method: clinical testing. Allele origin: germline.

PreventionGenetics, part of Exact Sciences
Classification: Likely benign for APOL1-related condition. Last evaluated: 2021-12-01. Review status: no assertion criteria provided. Collection method: clinical testing. Allele origin: germline. Not counted in ClinVar's aggregate classification.
Comment: This variant is classified as likely benign based on ACMG/AMP sequence variant interpretation guidelines (Richards et al. 2015 PMID: 25741868, with internal and published modifications).